The following is an entry in ClinVar:

NM_005591.4(MRE11):c.2080G>C (p.Asp694His)

Gene: MRE11 (MRE11 double strand break repair nuclease; minus strand). Cytogenetic location: 11q21.
Variant type: single nucleotide variant.
Coding change: c.2080G>C on transcript NM_005591.4 (MANE Select); coding-DNA position 2080, G replaced by C.
Protein change: p.Asp694His; replaces aspartic acid 694 with histidine.
Molecular consequence: missense variant.
Genome position (GRCh38, 1-based): chr11:94,420,172, C>G on the plus strand (G>C on the coding strand, the complement: MRE11 is on the minus strand). VCF-style: chr11-94420172-C-G. GRCh37 (hg19) VCF-style: chr11-94153338-C-G.
Other names: c.2077G>C, p.Asp693His (NM_001330347.2); c.1996G>C, p.Asp666His (NM_005590.4); short protein forms D694H, D666H, D693H.
Identifiers: ClinVar variation 481781 (VCV000481781.5), dbSNP rs1554996716, ClinGen allele CA382372601.
Genomic context (GRCh38, chr11:94,420,172, plus strand): 5'-GCCATTAAATATATTATCTTCTATTTCTTCTTAAAGAACTAGTGTTCATAAAAGGATCAT[C>G]ATCATCATCCTGAAATGAGATACAAATGTTGTATTAGTGATTGTTCCCTGCTTCACTGAA-3'
Protein context (NP_005582.1, residues 684-704): VDFESSEDDD[Asp694His]DPFMNTSSLR

ClinVar aggregate classification (germline): Uncertain significance (1 of 4 stars; one submission).

Conditions:
Hereditary cancer-predisposing syndrome. Also called: Neoplastic Syndromes, Hereditary; Tumor predisposition; Hereditary Cancer Syndrome; Hereditary neoplastic syndrome. Identifiers: Orphanet 140162, MedGen C0027672, MeSH D009386, MONDO:0015356.

Submission:

Ambry Genetics
Classification: Uncertain significance for Hereditary cancer-predisposing syndrome. Last evaluated: 2017-02-23. Review status: criteria provided, single submitter. Criteria: Ambry Variant Classification Scheme 2023. Collection method: clinical testing. Allele origin: germline.
Comment: The p.D694H variant (also known as c.2080G>C), located in coding exon 19 of the MRE11A gene, results from a G to C substitution at nucleotide position 2080. The aspartic acid at codon 694 is replaced by histidine, an amino acid with similar properties. This amino acid position is highly conserved in available vertebrate species. In addition, the in silico prediction for this alteration is inconclusive. Since supporting evidence is limited at this time, the clinical significance of this alteration remains unclear.